The following is an entry in ClinVar:

ClinVar aggregate classification (germline): Uncertain significance (1 of 4 stars; one submission).

Allele frequency attached by ClinVar (database versions not stated): gnomAD exomes below 0.00001; ExAC 0.00001; TOPMed 0.00001.

Submission:

Labcorp Genetics (formerly Invitae), Labcorp
Classification: Uncertain significance. Last evaluated: 2022-01-21. Review status: criteria provided, single submitter. Criteria: Invitae Variant Classification Sherloc (09022015). Collection method: clinical testing. Allele origin: germline.
Comment: This sequence change replaces glutamine, which is neutral and polar, with arginine, which is basic and polar, at codon 400 of the USH2A protein (p.Gln400Arg). This variant is present in population databases (rs771663887, gnomAD 0.0009%). This variant has not been reported in the literature in individuals affected with USH2A-related conditions. Algorithms developed to predict the effect of missense changes on protein structure and function are either unavailable or do not agree on the potential impact of this missense change (SIFT: "Tolerated"; PolyPhen-2: "Probably Damaging"; Align-GVGD: "Class C0"). In summary, the available evidence is currently insufficient to determine the role of this variant in disease. Therefore, it has been classified as a Variant of Uncertain Significance.

NM_206933.4(USH2A):c.1199A>G (p.Gln400Arg)

Gene: USH2A (usherin; minus strand). Cytogenetic location: 1q41.
Variant type: single nucleotide variant.
Coding change: c.1199A>G on transcript NM_206933.4 (MANE Select); coding-DNA position 1199, A replaced by G.
Protein change: p.Gln400Arg; replaces glutamine 400 with arginine.
Molecular consequence: missense variant.
Genome position (GRCh38, 1-based): chr1:216,324,297, T>C on the plus strand (A>G on the coding strand, the complement: USH2A is on the minus strand). VCF-style: chr1-216324297-T-C. GRCh37 (hg19) VCF-style: chr1-216497639-T-C.
Other names: c.1199A>G, p.Gln400Arg (NM_007123.6); short protein forms Q400R.
Identifiers: ClinVar variation 1976036 (VCV001976036.2), dbSNP rs771663887, ClinGen allele CA1396576.